The following is an entry in ClinVar:

ClinVar aggregate classification (germline): Uncertain significance. Review status: criteria provided, multiple submitters, no conflicts (2 of 4 stars). 2 submissions from 2 submitters: Uncertain significance (2). Last evaluated 2025-08-18.

Allele frequency attached by ClinVar (database versions not stated): gnomAD exomes 0.00005; TOPMed 0.00007; 1000 Genomes Project 30x 0.00031; 1000 Genomes Project 0.00040.
gnomAD v4.1: 83 of 1,612,452 alleles (0.0051%); highest among the groups gnomAD compares: Middle Eastern, 0.017%; no homozygotes.

Submissions (2):

Labcorp Genetics (formerly Invitae), Labcorp
Classification: Uncertain significance. Last evaluated: 2025-08-18. Review status: criteria provided, single submitter. Criteria: Invitae Variant Classification Sherloc (09022015). Collection method: clinical testing. Allele origin: germline.
Comment: This sequence change replaces arginine, which is basic and polar, with histidine, which is basic and polar, at codon 798 of the DNA2 protein (p.Arg798His). This variant is present in population databases (rs529850423, gnomAD 0.01%). This variant has not been reported in the literature in individuals affected with DNA2-related conditions. ClinVar contains an entry for this variant (Variation ID: 1185708). Invitae Evidence Modeling of protein sequence and biophysical properties (such as structural, functional, and spatial information, amino acid conservation, physicochemical variation, residue mobility, and thermodynamic stability) indicates that this missense variant is not expected to disrupt DNA2 protein function with a negative predictive value of 80%. In summary, the available evidence is currently insufficient to determine the role of this variant in disease. Therefore, it has been classified as a Variant of Uncertain Significance.

GeneDx
Classification: Uncertain significance. Last evaluated: 2019-09-30. Review status: criteria provided, single submitter. Criteria: GeneDx Variant Classification Process June 2021. Collection method: clinical testing. Allele origin: germline. Affected: yes.
Comment: Has not been previously published as pathogenic or benign to our knowledge; In silico analysis, which includes protein predictors and evolutionary conservation, supports that this variant does not alter protein structure/function

NM_001080449.3(DNA2):c.2393G>A (p.Arg798His)

Gene: DNA2 (DNA replication helicase/nuclease 2; minus strand). Cytogenetic location: 10q21.3.
Variant type: single nucleotide variant.
Coding change: c.2393G>A on transcript NM_001080449.3 (MANE Select); coding-DNA position 2393, G replaced by A.
Protein change: p.Arg798His; replaces arginine 798 with histidine.
Molecular consequence: missense variant. On other transcripts: non-coding transcript variant (1).
Genome position (GRCh38, 1-based): chr10:68,422,706, C>T on the plus strand (G>A on the coding strand, the complement: DNA2 is on the minus strand). VCF-style: chr10-68422706-C-T. GRCh37 (hg19) VCF-style: chr10-70182463-C-T.
Other names: short protein forms R798H.
Identifiers: ClinVar variation 1185708 (VCV001185708.8), dbSNP rs529850423, ClinGen allele CA5524832.